The following is an entry in ClinVar:

ClinVar aggregate classification (germline): Benign. Review status: criteria provided, multiple submitters, no conflicts (2 of 4 stars). 2 submissions from 2 submitters: Benign (2). Last evaluated 2018-06-14.

Allele frequency attached by ClinVar (database versions not stated): 1000 Genomes Project 30x 0.27701; TOPMed 0.35884; 1000 Genomes Project 0.27236; gnomAD 0.36121.
gnomAD v4.1: 264,242 of 769,816 alleles (34%); highest among the groups gnomAD compares: African/African-American, 41%; 48,489 homozygotes.

Submissions (2):

GeneDx
Classification: Benign. Last evaluated: 2018-06-14. Review status: criteria provided, single submitter. Criteria: GeneDx Variant Classification (06012015). Collection method: clinical testing. Allele origin: germline. Affected: yes.
Comment: This variant is considered likely benign or benign based on one or more of the following criteria: it is a conservative change, it occurs at a poorly conserved position in the protein, it is predicted to be benign by multiple in silico algorithms, and/or has population frequency not consistent with disease.

Breakthrough Genomics
Classification: Benign. Review status: criteria provided, single submitter. Criteria: ACMG Guidelines, 2015. Collection method: not provided. Allele origin: germline. Inheritance: Autosomal recessive inheritance. Affected: yes.

NM_024809.5(TCTN2):c.1612+125G>C

Gene: TCTN2 (tectonic family member 2; plus strand). Cytogenetic location: 12q24.31.
Variant type: single nucleotide variant.
Coding change: c.1612+125G>C on transcript NM_024809.5 (MANE Select); 125 bases into the intron after coding-DNA position 1612, G replaced by C.
Molecular consequence: intron variant.
Genome position (GRCh38, 1-based): chr12:123,699,935, G>C. VCF-style: chr12-123699935-G-C. GRCh37 (hg19) VCF-style: chr12-124184482-G-C.
Other names: c.1609+125G>C (NM_001143850.3).
Identifiers: ClinVar variation 672256 (VCV000672256.2), dbSNP rs73219037, ClinGen allele CA13605569.